The following is an entry in ClinVar:

NM_001142800.2(EYS):c.4549A>G (p.Ser1517Gly)

Gene: EYS (EGF-like photoreceptor maintenance factor; minus strand). Cytogenetic location: 6q12.
Variant type: single nucleotide variant.
Coding change: c.4549A>G on transcript NM_001142800.2 (MANE Select); coding-DNA position 4549, A replaced by G.
Protein change: p.Ser1517Gly; replaces serine 1517 with glycine.
Molecular consequence: missense variant.
Genome position (GRCh38, 1-based): chr6:64,591,318, T>C on the plus strand (A>G on the coding strand, the complement: EYS is on the minus strand). VCF-style: chr6-64591318-T-C. GRCh37 (hg19) VCF-style: chr6-65301211-T-C.
Other names: p.S1517G:AGT>GGT; c.4549A>G (FM209056.1); c.4549A>G, p.Ser1517Gly (NM_001292009.2); short protein forms S1517G.
Identifiers: ClinVar variation 93614 (VCV000093614.26), dbSNP rs62415826, ClinGen allele CA147150.
Genomic context (GRCh38, chr6:64,591,318, plus strand): 5'-TCTGGTTGCTTGAAGCCTCAGTAATAGCCTGATATTCACTGGGATTGAAGGCTTTTGTAC[T>C]GAACCGGTGCAGAGCTGATGAGTTTAAGATGGTTACCTGTTTAGATATAATTACCTTAGC-3'
Protein context (NP_001136272.1, residues 1507-1527): ILNSSALHRF[Ser1517Gly]TKAFNPSEYQ

ClinVar aggregate classification (germline): Benign/Likely benign. Review status: criteria provided, multiple submitters, no conflicts (2 of 4 stars). 10 submissions from 10 submitters: Benign (6); Likely benign (1). 3 of the submissions do not count toward it. Last evaluated 2026-02-04.

Conditions:
Retinal dystrophy. Also called: Inherited retinal dystrophy. Identifiers: Orphanet 71862, MedGen C0854723, MeSH D058499, MONDO:0019118, HP:0000556.
Retinitis pigmentosa (RP). Identifiers: Orphanet 791, MedGen C0035334, MeSH D012174, MONDO:0019200, OMIM 268000. Inheritance: Autosomal dominant, autosomal recessive and X linked inheritance.
Retinitis pigmentosa 25 (RP25). Identifiers: Orphanet 791, MedGen C1864446, MONDO:0011272, OMIM 602772.

Allele frequency attached by ClinVar (database versions not stated): gnomAD exomes 0.13264 and 0.11867; ESP Exome Variant Server 0.10846; gnomAD 0.09832 and 0.10075; TOPMed 0.10460; 1000 Genomes Project 0.09385; ExAC 0.10320; 1000 Genomes Project 30x 0.09244.
gnomAD v4.1: 200,377 of 1,550,952 alleles (13%); highest among the groups gnomAD compares: East Asian, 15%; 13,821 homozygotes.

Submissions (10):

Labcorp Genetics (formerly Invitae), Labcorp
Classification: Benign. Last evaluated: 2026-02-04. Review status: criteria provided, single submitter. Criteria: Invitae Variant Classification Sherloc (09022015). Collection method: clinical testing. Allele origin: germline.

Women's Health and Genetics/Laboratory Corporation of America, LabCorp
Classification: Likely benign. Last evaluated: 2025-11-24. Review status: criteria provided, single submitter. Criteria: LabCorp Variant Classification Summary - May 2015. Collection method: clinical testing. Allele origin: germline.

Dept Of Ophthalmology, Nagoya University
Classification: Benign for Retinal dystrophy. Last evaluated: 2023-10-01. Review status: criteria provided, single submitter. Criteria: Submitter's publication. Collection method: research. Allele origin: germline. Affected: yes.

Genome-Nilou Lab
Classification: Benign for Retinitis pigmentosa 25. Last evaluated: 2021-07-01. Review status: criteria provided, single submitter. Criteria: ACMG Guidelines, 2015. Collection method: clinical testing. Allele origin: germline. Affected: no.

Illumina Laboratory Services, Illumina
Classification: Benign for Retinitis pigmentosa. Last evaluated: 2018-01-12. Review status: criteria provided, single submitter. Criteria: ICSL Variant Classification Criteria 13 December 2019. Collection method: clinical testing. Allele origin: germline.
Comment: This variant was observed in the ICSL laboratory as part of a predisposition screen in an ostensibly healthy population. It had not been previously curated by ICSL or reported in the Human Gene Mutation Database (HGMD: prior to June 1st, 2018), and was therefore a candidate for classification through an automated scoring system. Utilizing variant allele frequency, disease prevalence and penetrance estimates, and inheritance mode, an automated score was calculated to assess if this variant is too frequent to cause the disease. Based on the score and internal cut-off values, a variant classified as benign is not then subjected to further curation. The score for this variant resulted in a classification of benign for this disease.

Eurofins Ntd Llc (ga)
Classification: Benign. Last evaluated: 2013-09-19. Review status: criteria provided, single submitter. Criteria: EGL Classification Definitions 2015. Collection method: clinical testing. Allele origin: germline. Observed: 4 variant alleles, 4 heterozygotes.

GeneDx
Classification: Benign. Last evaluated: 2011-08-11. Review status: criteria provided, single submitter. Criteria: GeneDx Variant Classification (06012015). Collection method: clinical testing. Allele origin: germline.
Comment: The variant is found in ARRP panel(s).

Natera, Inc.
Classification: Benign for Retinitis pigmentosa. Last evaluated: 2020-09-16. Review status: no assertion criteria provided. Collection method: clinical testing. Allele origin: germline. Not counted in ClinVar's aggregate classification.

Clinical Genetics DNA and cytogenetics Diagnostics Lab, Erasmus MC, Erasmus Medical Center
Classification: Likely benign. Review status: no assertion criteria provided. Collection method: clinical testing. Allele origin: germline. Affected: yes. Study: VKGL Data-share Consensus. Not counted in ClinVar's aggregate classification.

Joint Genome Diagnostic Labs from Nijmegen and Maastricht, Radboudumc and MUMC+
Classification: Benign. Review status: no assertion criteria provided. Collection method: clinical testing. Allele origin: germline. Affected: yes. Study: VKGL Data-share Consensus. Not counted in ClinVar's aggregate classification.